The following is an entry in ClinVar:

NM_004187.5(KDM5C):c.1637A>T (p.Glu546Val)

Gene: KDM5C (lysine demethylase 5C; minus strand). Cytogenetic location: Xp11.22.
Variant type: single nucleotide variant.
Coding change: c.1637A>T on transcript NM_004187.5 (MANE Select); coding-DNA position 1637, A replaced by T.
Protein change: p.Glu546Val; replaces glutamic acid 546 with valine.
Molecular consequence: missense variant. On other transcripts: non-coding transcript variant (3).
Genome position (GRCh38, 1-based): chrX:53,210,523, T>A on the plus strand (A>T on the coding strand, the complement: KDM5C is on the minus strand). VCF-style: chrX-53210523-T-A. GRCh37 (hg19) VCF-style: chrX-53239705-T-A.
Other names: c.1436A>T, p.Glu479Val (NM_001146702.2); c.1634A>T, p.Glu545Val (NM_001282622.3, NM_001353979.2, NM_001353982.2); c.1637A>T, p.Glu546Val (NM_001353978.3, NM_001353981.2, NM_001353984.2); short protein forms E545V, E479V, E546V.
Identifiers: ClinVar variation 3113869 (VCV003113869.3), dbSNP rs1014338528, ClinGen allele CA413127678.

ClinVar aggregate classification (germline): Likely pathogenic (1 of 4 stars; one submission).

Conditions:
Inborn genetic diseases. Identifiers: MedGen C0950123, MeSH D030342.

Submission:

Ambry Genetics
Classification: Likely pathogenic for Inborn genetic diseases. Last evaluated: 2024-08-27. Review status: criteria provided, single submitter. Criteria: Ambry Variant Classification Scheme 2023. Collection method: clinical testing. Allele origin: germline.
Comment: The c.1637A>T (p.E546V) alteration is located in exon 12 (coding exon 12) of the KDM5C gene. This alteration results from a A to T substitution at nucleotide position 1637, causing the glutamic acid (E) at amino acid position 546 to be replaced by a valine (V). This variant was not reported in population-based cohorts in the Genome Aggregation Database (gnomAD). This amino acid position is highly conserved in available vertebrate species. This missense alteration is located in a region that has a low rate of benign missense variation (Lek, 2016; Firth, 2009). This alteration is predicted to be deleterious by in silico analysis. Based on the available evidence, this alteration is classified as likely pathogenic.